The following is an entry in ClinVar:

ClinVar aggregate classification (germline): Uncertain significance (1 of 4 stars; one submission).

Conditions:
Primary ciliary dyskinesia. Also called: Ciliary dyskinesia. Identifiers: Orphanet 244, MedGen C0008780, MONDO:0016575, HP:0012265.

Submission:

Labcorp Genetics (formerly Invitae), Labcorp
Classification: Uncertain significance for Primary ciliary dyskinesia. Last evaluated: 2022-08-15. Review status: criteria provided, single submitter. Criteria: Invitae Variant Classification Sherloc (09022015). Collection method: clinical testing. Allele origin: germline.
Comment: This variant has not been reported in the literature in individuals affected with CCDC39-related conditions. ClinVar contains an entry for this variant (Variation ID: 961209). Algorithms developed to predict the effect of missense changes on protein structure and function output the following: SIFT: "Tolerated"; PolyPhen-2: "Benign"; Align-GVGD: "Class C0". The alanine amino acid residue is found in multiple mammalian species, which suggests that this missense change does not adversely affect protein function. In summary, the available evidence is currently insufficient to determine the role of this variant in disease. Therefore, it has been classified as a Variant of Uncertain Significance. This sequence change replaces threonine, which is neutral and polar, with alanine, which is neutral and non-polar, at codon 302 of the CCDC39 protein (p.Thr302Ala). This variant is not present in population databases (gnomAD no frequency).

NM_181426.2(CCDC39):c.904A>G (p.Thr302Ala)

Gene: CCDC39 (coiled-coil domain 39 molecular ruler complex subunit; minus strand). Cytogenetic location: 3q26.33.
Variant type: single nucleotide variant.
Coding change: c.904A>G on transcript NM_181426.2 (MANE Select); coding-DNA position 904, A replaced by G.
Protein change: p.Thr302Ala; replaces threonine 302 with alanine.
Molecular consequence: missense variant.
Genome position (GRCh38, 1-based): chr3:180,654,788, T>C on the plus strand (A>G on the coding strand, the complement: CCDC39 is on the minus strand). VCF-style: chr3-180654788-T-C. GRCh37 (hg19) VCF-style: chr3-180372576-T-C.
Other names: short protein forms T302A.
Identifiers: ClinVar variation 961209 (VCV000961209.10), dbSNP rs1711543464, ClinGen allele CA355300285.